The following is an entry in ClinVar:

ClinVar aggregate classification (germline): Uncertain significance (1 of 4 stars; one submission).

Allele frequency attached by ClinVar (database versions not stated): gnomAD exomes below 0.00001 and 0.00001; TOPMed below 0.00001; ExAC 0.00001.
gnomAD v4.1: 4 of 1,613,844 alleles (0.00025%); highest among the groups gnomAD compares: South Asian, 0.0011%; no homozygotes.

Submission:

Labcorp Genetics (formerly Invitae), Labcorp
Classification: Uncertain significance. Last evaluated: 2021-08-30. Review status: criteria provided, single submitter. Criteria: Invitae Variant Classification Sherloc (09022015). Collection method: clinical testing. Allele origin: germline.
Comment: This sequence change replaces asparagine with serine at codon 89 of the LCA5 protein (p.Asn89Ser). The asparagine residue is moderately conserved and there is a small physicochemical difference between asparagine and serine. This variant is present in population databases (rs767686732, ExAC 0.006%). This variant has not been reported in the literature in individuals affected with LCA5-related conditions. Algorithms developed to predict the effect of missense changes on protein structure and function output the following: SIFT: "Tolerated"; PolyPhen-2: "Benign"; Align-GVGD: "Class C0". The serine amino acid residue is found in multiple mammalian species, which suggests that this missense change does not adversely affect protein function. In summary, the available evidence is currently insufficient to determine the role of this variant in disease. Therefore, it has been classified as a Variant of Uncertain Significance.

NM_001122769.3(LCA5):c.266A>G (p.Asn89Ser)

Gene: LCA5 (lebercilin LCA5; minus strand). Cytogenetic location: 6q14.1.
Variant type: single nucleotide variant.
Coding change: c.266A>G on transcript NM_001122769.3 (MANE Select); coding-DNA position 266, A replaced by G.
Protein change: p.Asn89Ser; replaces asparagine 89 with serine.
Molecular consequence: missense variant.
Genome position (GRCh38, 1-based): chr6:79,513,666, T>C on the plus strand (A>G on the coding strand, the complement: LCA5 is on the minus strand). VCF-style: chr6-79513666-T-C. GRCh37 (hg19) VCF-style: chr6-80223383-T-C.
Other names: c.266A>G, p.Asn89Ser (NM_181714.4); short protein forms N89S.
Identifiers: ClinVar variation 1057754 (VCV001057754.6), dbSNP rs767686732, ClinGen allele CA3901153.